The following is an entry in ClinVar:

NM_004937.3(CTNS):c.329+22C>G

Genes: CTNS-AS1 (CTNS antisense RNA 1; minus strand), CTNS (cystinosin, lysosomal cystine transporter; plus strand). Cytogenetic location: 17p13.2.
Variant type: single nucleotide variant.
Coding change: c.329+22C>G on transcript NM_004937.3 (MANE Select); 22 bases into the intron after coding-DNA position 329, C replaced by G.
Molecular consequence: intron variant.
Genome position (GRCh38, 1-based): chr17:3,655,123, C>G. VCF-style: chr17-3655123-C-G. GRCh37 (hg19) VCF-style: chr17-3558417-C-G.
Other names: c.329+22C>G (NM_001031681.3, NM_001374492.1); c.-113+22C>G (NM_001374493.1, NM_001374495.1, NM_001374494.1 and 1 more transcripts).
Identifiers: ClinVar variation 558924 (VCV000558924.10), dbSNP rs459613, ClinGen allele CA8291663.

ClinVar aggregate classification (germline): Benign. Review status: criteria provided, multiple submitters, no conflicts (2 of 4 stars). 5 submissions from 4 submitters: Benign (4). 1 of the submissions does not count toward it. Last evaluated 2021-07-10.

Conditions:
Nephropathic cystinosis (CTNS). Also called: CYSTINOSIN, DEFECT OF; LYSOSOMAL CYSTINE TRANSPORT PROTEIN, DEFECT OF; Abderhalden Lignac Kaufmann disease; Abderhalden-Kaufmann-Lignac syndrome. Identifiers: Orphanet 213, Orphanet 411629, MedGen C2931187, MONDO:0100151, OMIM 219800.
Ocular cystinosis. Also called: Non-Nephropathic Cystinosis; Non-Nephropathic (Ocular) Cystinosis. Identifiers: Orphanet 213, Orphanet 411641, MedGen C2931013, MONDO:0009064, OMIM 219750.

Allele frequency attached by ClinVar (database versions not stated): 1000 Genomes Project 30x 0.84026; 1000 Genomes Project 0.84525; ESP Exome Variant Server 0.86345; TOPMed 0.86360; gnomAD 0.88549; ExAC 0.95380; gnomAD exomes 0.96173 and 0.98468.
gnomAD v4.1: 1,572,238 of 1,613,794 alleles (97%); highest among the groups gnomAD compares: Non-Finnish European, 100%; 772,047 homozygotes.

Submissions (5):

Genome-Nilou Lab
Classification: Benign for Nephropathic cystinosis. Last evaluated: 2021-07-10. Review status: criteria provided, single submitter. Criteria: ACMG Guidelines, 2015. Collection method: clinical testing. Allele origin: germline. Affected: no.

Genome-Nilou Lab
Classification: Benign for Ocular cystinosis. Last evaluated: 2021-07-10. Review status: criteria provided, single submitter. Criteria: ACMG Guidelines, 2015. Collection method: clinical testing. Allele origin: germline. Affected: no.

GeneDx
Classification: Benign. Last evaluated: 2018-06-19. Review status: criteria provided, single submitter. Criteria: GeneDx Variant Classification (06012015). Collection method: clinical testing. Allele origin: germline. Affected: yes.
Comment: This variant is considered likely benign or benign based on one or more of the following criteria: it is a conservative change, it occurs at a poorly conserved position in the protein, it is predicted to be benign by multiple in silico algorithms, and/or has population frequency not consistent with disease.

Breakthrough Genomics
Classification: Benign. Review status: criteria provided, single submitter. Criteria: ACMG Guidelines, 2015. Collection method: not provided. Allele origin: germline. Inheritance: Autosomal recessive inheritance. Affected: yes.

Mayo Clinic Laboratories, Mayo Clinic
Classification: Benign. Last evaluated: 2015-10-19. Review status: no assertion criteria provided. Collection method: clinical testing. Allele origin: unknown. Not counted in ClinVar's aggregate classification.